The following is an entry in ClinVar:

ClinVar aggregate classification (germline): Uncertain significance (1 of 4 stars; one submission).

gnomAD v4.1: 1 of 1,614,082 alleles (0.000062%); highest among the groups gnomAD compares: Admixed American, 0.0017%; no homozygotes.

Submission:

Ambry Genetics
Classification: Uncertain significance. Last evaluated: 2026-01-20. Review status: criteria provided, single submitter. Criteria: Ambry Variant Classification Scheme 2023. Collection method: clinical testing. Allele origin: germline.
Comment: The p.D877N variant (also known as c.2629G>A), located in coding exon 1 of the TET2 gene, results from a G to A substitution at nucleotide position 2629. The aspartic acid at codon 877 is replaced by asparagine, an amino acid with highly similar properties. This amino acid position is conserved. In addition, this alteration is predicted to be tolerated by in silico analysis. Based on the available evidence, the clinical significance of this variant remains unclear.

NM_001127208.3(TET2):c.2629G>A (p.Asp877Asn)

Genes: TET2 (tet methylcytosine dioxygenase 2; plus strand), TET2-AS1 (TET2 antisense RNA 1; minus strand). Cytogenetic location: 4q24.
Variant type: single nucleotide variant.
Coding change: c.2629G>A on transcript NM_001127208.3 (MANE Select); coding-DNA position 2629, G replaced by A.
Protein change: p.Asp877Asn; replaces aspartic acid 877 with asparagine.
Molecular consequence: missense variant.
Genome position (GRCh38, 1-based): chr4:105,236,571, G>A. VCF-style: chr4-105236571-G-A. GRCh37 (hg19) VCF-style: chr4-106157728-G-A.
Other names: c.2629G>A, p.Asp877Asn (NM_017628.4); short protein forms D877N.
Identifiers: ClinVar variation 4825002 (VCV004825002.1).
Genomic context (GRCh38, chr4:105,236,571, plus strand): 5'-AACAAGACCCAAAACTTGCATCACATGCAATATTTTCCAAATAATGTGATCCCAAAGCAA[G>A]ATCTTCTTCACAGGTGCTTTCAAGAACAGGAGCAGAAGTCACAACAAGCTTCAGTTCTAC-3'
Protein context (NP_001120680.1, residues 867-887): YFPNNVIPKQ[Asp877Asn]LLHRCFQEQE